The following is an entry in ClinVar:

NM_001875.5(CPS1):c.-4_-3insTTC

Gene: CPS1 (carbamoyl-phosphate synthase 1; plus strand). Cytogenetic location: 2q34.
Variant type: Insertion.
Coding change: c.-4_-3insTTC on transcript NM_001875.5 (MANE Select); 4 bases upstream of the start codon through 3 bases upstream of the start codon, TTC inserted.
Molecular consequence: 5 prime UTR variant. On other transcripts: inframe insertion (1), non-coding transcript variant (1).
Genome position: GRCh38 VCF-style: chr2-210556728-A-ATCT. GRCh37 (hg19) VCF-style: chr2-211421452-A-ATCT.
Other names: c.-4_-3insTTC (NM_001122633.3, NM_001369257.1); c.30_31insTTC, p.Ile10_Lys11insPhe (NM_001369256.1).
Identifiers: ClinVar variation 203647 (VCV000203647.15), dbSNP rs61509952, ClinGen allele CA312388.

ClinVar aggregate classification (germline): Benign. Review status: criteria provided, multiple submitters, no conflicts (2 of 4 stars). 11 submissions from 10 submitters: Benign (6). 5 of the submissions do not count toward it. Last evaluated 2022-05-05.

Conditions:
Congenital hyperammonemia, type I. Also called: Carbamoyl phosphate synthetase 1 deficiency; Hyperammonemia due to carbamoyl phosphate synthetase 1 deficiency; CPS 1 deficiency; Carbamyl phosphate synthetase (CPS) deficiency; Carbamoyl phosphate synthetase I deficiency disease; Carbamoyl-phosphate synthase I deficiency. Identifiers: Orphanet 147, MedGen C4082171, MONDO:0009376, OMIM 237300.

Submissions (11):

Mayo Clinic Laboratories, Mayo Clinic
Classification: Benign. Last evaluated: 2022-05-05. Review status: criteria provided, single submitter. Criteria: ACMG Guidelines, 2015. Collection method: clinical testing. Allele origin: germline. Observed: 81 variant alleles.

Genome-Nilou Lab
Classification: Benign for Congenital hyperammonemia, type I. Last evaluated: 2021-07-30. Review status: criteria provided, single submitter. Criteria: ACMG Guidelines, 2015. Collection method: clinical testing. Allele origin: germline. Affected: no.

GeneDx
Classification: Benign. Last evaluated: 2021-05-06. Review status: criteria provided, single submitter. Criteria: GeneDx Variant Classification Process June 2021. Collection method: clinical testing. Allele origin: germline. Affected: yes.

Clinical Genetics DNA and cytogenetics Diagnostics Lab, Erasmus MC, Erasmus Medical Center
Classification: Benign for Congenital hyperammonemia, type I. Last evaluated: 2017-05-31. Review status: criteria provided, single submitter. Criteria: ACGS Guidelines, 2013. Collection method: clinical testing. Allele origin: germline. Affected: yes. Study: VKGL Data-share Consensus.

Women's Health and Genetics/Laboratory Corporation of America, LabCorp
Classification: Benign. Last evaluated: 2017-05-14. Review status: criteria provided, single submitter. Criteria: LabCorp Variant Classification Summary - May 2015. Collection method: clinical testing. Allele origin: germline.
Comment: Variant summary: The CPS1 c.-4_-3insTTC variant (also known as c.15_16insTTC based upon NM_001122633.2) involves the alteration of a 5' UTR nucleotide that 4/5 splice prediction tools predict no significant impact on normal splicing. ESE finder predicts that this variant will not affect ESE binding. However, these predictions have yet to be confirmed by functional studies. This variant was found in 52532/120770 control chromosomes (11669 homozygotes) at a frequency of 0.4349756, which is approximately 275 times the estimated maximal expected allele frequency of a pathogenic CPS1 variant (0.0015811). Therefore, suggesting this variant is likely a benign polymorphism. In addition, multiple clinical diagnostic laboratories/reputable databases classified this variant as "likely benign/benign." Taken together, this variant is classified as benign.

PreventionGenetics, part of Exact Sciences
Classification: Benign. Review status: criteria provided, single submitter. Criteria: ACMG Guidelines, 2015. Collection method: clinical testing. Allele origin: germline.

SingHealth Duke-NUS Institute of Precision Medicine
Classification: Likely benign for Congenital hyperammonemia, type I. Last evaluated: 2017-06-07. Review status: no assertion criteria provided. Collection method: curation. Allele origin: germline. Affected: no. Not counted in ClinVar's aggregate classification.

Clinical Genetics, Academic Medical Center
Classification: Benign. Review status: no assertion criteria provided. Collection method: clinical testing. Allele origin: germline. Affected: yes. Study: VKGL Data-share Consensus. Not counted in ClinVar's aggregate classification.

Diagnostic Laboratory, Department of Genetics, University Medical Center Groningen
Classification: Benign for Congenital hyperammonemia, type I. Review status: no assertion criteria provided. Collection method: clinical testing. Allele origin: germline. Affected: yes. Study: VKGL Data-share Consensus. Not counted in ClinVar's aggregate classification.

Joint Genome Diagnostic Labs from Nijmegen and Maastricht, Radboudumc and MUMC+
Classification: Benign. Review status: no assertion criteria provided. Collection method: clinical testing. Allele origin: germline. Affected: yes. Study: VKGL Data-share Consensus. Not counted in ClinVar's aggregate classification.

GeneDx
Classification: Benign. Last evaluated: 2014-03-13. Review status: flagged submission. Criteria: GeneDx Variant Classification (06012015). Collection method: clinical testing. Allele origin: germline. Affected: yes. Not counted in ClinVar's aggregate classification.
Comment: The variant is found in UCD-MET panel(s).
ClinVar note: Reason: This record appears to be redundant with a more recent record from the same submitter.
ClinVar note: Notes: SCV000238762 appears to be redundant with SCV001856317.